The following is an entry in ClinVar:

NM_032444.4(SLX4):c.2208G>C (p.Gln736His)

Gene: SLX4 (SLX4 structure-specific endonuclease subunit; minus strand). Cytogenetic location: 16p13.3.
Variant type: single nucleotide variant.
Coding change: c.2208G>C on transcript NM_032444.4 (MANE Select); coding-DNA position 2208, G replaced by C.
Protein change: p.Gln736His; replaces glutamine 736 with histidine.
Molecular consequence: missense variant.
Genome position (GRCh38, 1-based): chr16:3,592,818, C>G on the plus strand (G>C on the coding strand, the complement: SLX4 is on the minus strand). VCF-style: chr16-3592818-C-G. GRCh37 (hg19) VCF-style: chr16-3642819-C-G.
Other names: short protein forms Q736H.
Identifiers: ClinVar variation 1034141 (VCV001034141.1), dbSNP rs1293011888, ClinGen allele CA394525035.
Genomic context (GRCh38, chr16:3,592,818, plus strand): 5'-GTAGAGATAGTGCAGGAACGTGCGGGCGGCCTCGGTGCTCACGTCACCCAGCAGGACACG[C>G]TGGGTCAGAACCCCGTCCTCTACAGCGGAGAAGCCTTCATTGTTCACCTGCAGGTGAAAT-3'
Protein context (NP_115820.2, residues 726-746): FSAVEDGVLT[Gln736His]RVLLGDVSTE

ClinVar aggregate classification (germline): Uncertain significance (1 of 4 stars; one submission).

Conditions:
Fanconi anemia complementation group P. Also called: SLX4-Related Fanconi Anemia. Identifiers: Orphanet 84, MedGen C3469542, MONDO:0013499, OMIM 613951.

Allele frequency attached by ClinVar (database versions not stated): gnomAD 0.00001; TOPMed 0.00001.
gnomAD v4.1: 2 of 1,612,284 alleles (0.00012%); highest among the groups gnomAD compares: African/African-American, 0.0027%; no homozygotes.

Submission:

Baylor Genetics
Classification: Uncertain significance for Fanconi anemia complementation group P. Last evaluated: 2018-08-16. Review status: criteria provided, single submitter. Criteria: ACMG Guidelines, 2015. Collection method: clinical testing. Allele origin: maternal. Affected: yes.
Comment: This variant was determined to be of uncertain significance according to ACMG Guidelines, 2015 [PMID:25741868].